The following is an entry in ClinVar:

ClinVar aggregate classification (germline): Likely benign (1 of 4 stars; one submission).

Conditions:
KAT6A-related disorder. Also called: KAT6A-related condition.

Submission:

PreventionGenetics, part of Exact Sciences
Classification: Likely benign for KAT6A-related condition. Last evaluated: 2024-11-22. Review status: criteria provided, single submitter. Criteria: ACMG Guidelines, 2015. Collection method: clinical testing. Allele origin: germline.
Comment: This variant is classified as likely benign based on ACMG/AMP sequence variant interpretation guidelines (Richards et al. 2015 PMID: 25741868, with internal and published modifications).

NM_006766.5(KAT6A):c.826-5A>C

Gene: KAT6A (lysine acetyltransferase 6A; minus strand). Cytogenetic location: 8p11.21.
Variant type: single nucleotide variant.
Coding change: c.826-5A>C on transcript NM_006766.5 (MANE Select); 5 bases into the intron before coding-DNA position 826, A replaced by C.
Molecular consequence: intron variant.
Genome position (GRCh38, 1-based): chr8:41,980,932, T>G on the plus strand (A>C on the coding strand, the complement: KAT6A is on the minus strand). VCF-style: chr8-41980932-T-G. GRCh37 (hg19) VCF-style: chr8-41838450-T-G.
Other names: c.826-5A>C (NM_001305878.2).
Identifiers: ClinVar variation 5002336 (VCV005002336.1).